The following is an entry in ClinVar:

NM_152783.5(D2HGDH):c.1523A>G (p.Lys508Arg)

Gene: D2HGDH (D-2-hydroxyglutarate dehydrogenase; plus strand). Cytogenetic location: 2q37.3.
Variant type: single nucleotide variant.
Coding change: c.1523A>G on transcript NM_152783.5 (MANE Select); coding-DNA position 1523, A replaced by G.
Protein change: p.Lys508Arg; replaces lysine 508 with arginine.
Molecular consequence: missense variant. On other transcripts: non-coding transcript variant (1).
Genome position (GRCh38, 1-based): chr2:241,767,926, A>G. VCF-style: chr2-241767926-A-G. GRCh37 (hg19) VCF-style: chr2-242707341-A-G.
Other names: c.1121A>G, p.Lys374Arg (NM_001287249.2); c.962A>G, p.Lys321Arg (NM_001352824.2); short protein forms K508R, K321R, K374R.
Identifiers: ClinVar variation 335324 (VCV000335324.11), dbSNP rs770361030, ClinGen allele CA2222252.

ClinVar aggregate classification (germline): Uncertain significance. Review status: criteria provided, multiple submitters, no conflicts (2 of 4 stars). 3 submissions from 3 submitters: Uncertain significance (3). Last evaluated 2023-07-10.

Conditions:
D-2-hydroxyglutaric aciduria 1 (D2HGA1). Identifiers: Orphanet 79315, MedGen C3152055, MONDO:0024554, OMIM 600721.

Allele frequency attached by ClinVar (database versions not stated): ExAC 0.00002; gnomAD 0.00002; gnomAD exomes 0.00002 and 0.00007; TOPMed 0.00003.
gnomAD v4.1: 107 of 1,600,370 alleles (0.0067%); highest among the groups gnomAD compares: Non-Finnish European, 0.0084%; no homozygotes.

Submissions (3):

Blueprint Genetics
Classification: Uncertain significance. Last evaluated: 2023-07-10. Review status: criteria provided, single submitter. Criteria: ACMG Guidelines, 2015. Collection method: clinical testing. Allele origin: germline.

Labcorp Genetics (formerly Invitae), Labcorp
Classification: Uncertain significance for D-2-hydroxyglutaric aciduria 1. Last evaluated: 2022-06-20. Review status: criteria provided, single submitter. Criteria: Invitae Variant Classification Sherloc (09022015). Collection method: clinical testing. Allele origin: germline.
Comment: In summary, the available evidence is currently insufficient to determine the role of this variant in disease. Therefore, it has been classified as a Variant of Uncertain Significance. Algorithms developed to predict the effect of sequence changes on RNA splicing suggest that this variant may create or strengthen a splice site. Algorithms developed to predict the effect of missense changes on protein structure and function output the following: SIFT: "Tolerated"; PolyPhen-2: "Benign"; Align-GVGD: "Class C0". The arginine amino acid residue is found in multiple mammalian species, which suggests that this missense change does not adversely affect protein function. ClinVar contains an entry for this variant (Variation ID: 335324). This variant has not been reported in the literature in individuals affected with D2HGDH-related conditions. This variant is present in population databases (rs770361030, gnomAD 0.005%). This sequence change replaces lysine, which is basic and polar, with arginine, which is basic and polar, at codon 508 of the D2HGDH protein (p.Lys508Arg).

Illumina Laboratory Services, Illumina
Classification: Uncertain significance for D-2-hydroxyglutaric aciduria 1. Last evaluated: 2018-01-13. Review status: criteria provided, single submitter. Criteria: ICSL Variant Classification Criteria 13 December 2019. Collection method: clinical testing. Allele origin: germline.